The following is an entry in ClinVar:

ClinVar aggregate classification (germline): Uncertain significance. Review status: criteria provided, multiple submitters, no conflicts (2 of 4 stars). 2 submissions from 2 submitters: Uncertain significance (2). Last evaluated 2024-09-24.

Conditions:
Long QT syndrome 10 (LQT10). Identifiers: Orphanet 101016, Orphanet 768, MedGen C2678484, MONDO:0012737, OMIM 611819.
Cardiovascular phenotype. Identifiers: MedGen CN230736.

Allele frequency attached by ClinVar (database versions not stated): gnomAD exomes 0.00001; ExAC 0.00002.
gnomAD v4.1: 3 of 1,614,144 alleles (0.00019%); highest among the groups gnomAD compares: Non-Finnish European, 0.00025%; no homozygotes.

Submissions (2):

Ambry Genetics
Classification: Uncertain significance for Cardiovascular phenotype. Last evaluated: 2024-09-24. Review status: criteria provided, single submitter. Criteria: Ambry Variant Classification Scheme 2023. Collection method: clinical testing. Allele origin: germline.
Comment: The p.F66L variant (also known as c.198C>G), located in coding exon 2 of the SCN4B gene, results from a C to G substitution at nucleotide position 198. The phenylalanine at codon 66 is replaced by leucine, an amino acid with highly similar properties. This amino acid position is conserved. In addition, the in silico prediction for this alteration is inconclusive. Based on the available evidence, the clinical significance of this variant remains unclear.

Labcorp Genetics (formerly Invitae), Labcorp
Classification: Uncertain significance for Long QT syndrome 10. Last evaluated: 2020-09-01. Review status: criteria provided, single submitter. Criteria: Invitae Variant Classification Sherloc (09022015). Collection method: clinical testing. Allele origin: germline.
Comment: Algorithms developed to predict the effect of missense changes on protein structure and function are either unavailable or do not agree on the potential impact of this missense change (SIFT: "Deleterious"; PolyPhen-2: "Possibly Damaging"; Align-GVGD: "Class C15"). In summary, the available evidence is currently insufficient to determine the role of this variant in disease. Therefore, it has been classified as a Variant of Uncertain Significance. This variant has not been reported in the literature in individuals with SCN4B-related conditions. This variant is present in population databases (rs746892195, ExAC 0.009%). This sequence change replaces phenylalanine with leucine at codon 66 of the SCN4B protein (p.Phe66Leu). The phenylalanine residue is highly conserved and there is a small physicochemical difference between phenylalanine and leucine.

NM_174934.4(SCN4B):c.198C>G (p.Phe66Leu)

Gene: SCN4B (sodium voltage-gated channel beta subunit 4; minus strand). Cytogenetic location: 11q23.3.
Variant type: single nucleotide variant.
Coding change: c.198C>G on transcript NM_174934.4 (MANE Select); coding-DNA position 198, C replaced by G.
Protein change: p.Phe66Leu; replaces phenylalanine 66 with leucine.
Molecular consequence: missense variant. On other transcripts: 5 prime UTR variant (1), non-coding transcript variant (1), intron variant (1).
Genome position (GRCh38, 1-based): chr11:118,145,093, G>C on the plus strand (C>G on the coding strand, the complement: SCN4B is on the minus strand). VCF-style: chr11-118145093-G-C. GRCh37 (hg19) VCF-style: chr11-118015808-G-C.
Other names: c.-133C>G (NM_001142349.2); c.62-3757C>G (NM_001142348.2); c.198C>G (NM_174934.3); short protein forms F66L.
Identifiers: ClinVar variation 1059291 (VCV001059291.10), dbSNP rs746892195, ClinGen allele CA6300280.